The following is an entry in ClinVar:

ClinVar aggregate classification (germline): Likely pathogenic (1 of 4 stars; one submission).

Conditions:
Autosomal recessive Alport syndrome (ATS2). Also called: Alport syndrome type 2; COL4A4 Alport Syndrome and Thin Basement Membrane Nephropathy; ALPORT SYNDROME 2, AUTOSOMAL RECESSIVE; COL4A3-Related Nephropathy. Identifiers: Orphanet 63, Orphanet 88919, MedGen C4746745, MONDO:0008762, OMIM 203780.

Submission:

Myriad Genetics, Inc.
Classification: Likely pathogenic for Autosomal recessive Alport syndrome. Last evaluated: 2021-12-17. Review status: criteria provided, single submitter. Criteria: Myriad Women's Health Autosomal Recessive and X-Linked Classification Criteria (2021). Collection method: clinical testing. Allele origin: unknown.
Comment: NM_000092.4(COL4A4):c.4208C>G(S1403*) is expected to be pathogenic in the context of COL4A4-related Alport syndrome. This variant is predicted to lead to an abnormal or absent protein product due to the creation of a premature termination codon in COL4A4, a gene where loss-of-function variants are known to be pathogenic. Please note: this variant was assessed in the context of healthy population screening.

NM_000092.5(COL4A4):c.4208C>G (p.Ser1403Ter)

Gene: COL4A4 (collagen type IV alpha 4 chain; minus strand). Cytogenetic location: 2q36.3.
Variant type: single nucleotide variant.
Coding change: c.4208C>G on transcript NM_000092.5 (MANE Select); coding-DNA position 4208, C replaced by G.
Protein change: p.Ser1403Ter; replaces serine 1403 with a stop codon.
Molecular consequence: nonsense.
Genome position (GRCh38, 1-based): chr2:227,022,056, G>C on the plus strand (C>G on the coding strand, the complement: COL4A4 is on the minus strand). VCF-style: chr2-227022056-G-C. GRCh37 (hg19) VCF-style: chr2-227886772-G-C.
Other names: short protein forms S1403*.
Identifiers: ClinVar variation 1726429 (VCV001726429.2), dbSNP rs2473003981, ClinGen allele CA350836643.
Genomic context (GRCh38, chr2:227,022,056, plus strand): 5'-CATTTCAGCAATATATCATGAAAATAATGAACAATCAGCATGCGGCTCATACCTGGTCCT[G>C]AGGGGCCTCTCATTCCAGGGAGCCCCATGGCTCCTTCTGGTCCTCTCATGCCTGGCGCCC-3'